The following is an entry in ClinVar:

NM_003890.3(FCGBP):c.11943C>T (p.Cys3981=)

Gene: FCGBP (Fc gamma binding protein; minus strand). Cytogenetic location: 19q13.2.
Variant type: single nucleotide variant.
Coding change: c.11943C>T on transcript NM_003890.3 (MANE Select); coding-DNA position 11943, C replaced by T.
Protein change: p.Cys3981=; no amino-acid change (cysteine 3981 retained).
Molecular consequence: synonymous variant.
Genome position (GRCh38, 1-based): chr19:39,885,721, G>A on the plus strand (C>T on the coding strand, the complement: FCGBP is on the minus strand). VCF-style: chr19-39885721-G-A. GRCh37 (hg19) VCF-style: chr19-40376361-G-A.
Identifiers: ClinVar variation 2649845 (VCV002649845.24), dbSNP rs140722925, ClinGen allele CA308313172.

ClinVar aggregate classification (germline): Likely benign (1 of 4 stars; one submission).

Allele frequency attached by ClinVar (database versions not stated): 1000 Genomes Project 30x 0.00094; 1000 Genomes Project 0.00100; ESP Exome Variant Server 0.00216; gnomAD 0.00290; ExAC 0.00334.

Submission:

CeGaT Center for Human Genetics Tuebingen
Classification: Likely benign. Last evaluated: 2023-01-01. Review status: criteria provided, single submitter. Criteria: CeGaT Center For Human Genetics Tuebingen Variant Classification Criteria Version 2. Collection method: clinical testing. Allele origin: germline. Affected: yes. Observed: 4 variant alleles.
Comment: FCGBP: BP4, BP7, BS2